The following is an entry in ClinVar:

ClinVar aggregate classification (germline): Uncertain significance (1 of 4 stars; one submission).

Submission:

Labcorp Genetics (formerly Invitae), Labcorp
Classification: Uncertain significance. Last evaluated: 2022-03-04. Review status: criteria provided, single submitter. Criteria: Invitae Variant Classification Sherloc (09022015). Collection method: clinical testing. Allele origin: unknown.
Comment: In summary, the available evidence is currently insufficient to determine the role of this variant in disease. Therefore, it has been classified as a Variant of Uncertain Significance. This variant has not been reported in the literature in individuals affected with DHX38-related conditions. A copy number gain of the genomic region encompassing the full coding sequence of the DHX38 gene has been identified. The boundaries of this event are unknown as they extend beyond the assayed region for this gene and therefore may encompass additional genes. As the precise location of this event is unknown, it may be in tandem or it may be located elsewhere in the genome.

NC_000016.9:g.(?_72130057)_(72146396_?)dup

Gene: DHX38 (DEAH-box helicase 38; plus strand). Cytogenetic location: 16q22.2.
Variant type: Duplication.
Identifiers: ClinVar variation 3243645 (VCV003243645.1).